The following is an entry in ClinVar:

NM_004991.4(MECOM):c.2748G>C (p.Lys916Asn)

Gene: MECOM (MDS1 and EVI1 complex locus; minus strand). Cytogenetic location: 3q26.2.
Variant type: single nucleotide variant.
Coding change: c.2748G>C on transcript NM_004991.4 (MANE Select); coding-DNA position 2748, G replaced by C.
Protein change: p.Lys916Asn; replaces lysine 916 with asparagine.
Molecular consequence: missense variant.
Genome position (GRCh38, 1-based): chr3:169,102,083, C>G on the plus strand (G>C on the coding strand, the complement: MECOM is on the minus strand). VCF-style: chr3-169102083-C-G. GRCh37 (hg19) VCF-style: chr3-168819871-C-G.
Other names: c.2379G>C, p.Lys793Asn (NM_001105077.4); c.2184G>C, p.Lys728Asn (NM_001105078.4, NM_001205194.2, NM_001366469.2 and 1 more transcripts); c.2160G>C, p.Lys720Asn (NM_001163999.2, NM_001366470.2); c.2157G>C, p.Lys719Asn (NM_001164000.2, NM_001366471.2, NM_001366472.2); c.2721G>C, p.Lys907Asn (NM_001366466.2); c.2187G>C, p.Lys729Asn (NM_001366467.2, NM_001366468.2); c.1749G>C, p.Lys583Asn (NM_001366473.2); c.1185G>C, p.Lys395Asn (NM_001366474.2); short protein forms K395N, K907N, K729N, K793N, K728N, K583N, K719N, K720N.
Identifiers: ClinVar variation 4624745 (VCV004624745.1).

ClinVar aggregate classification (germline): Uncertain significance (1 of 4 stars; one submission).

Conditions:
Inborn genetic diseases. Identifiers: MedGen C0950123, MeSH D030342.

gnomAD v4.1: 2 of 1,613,080 alleles (0.00012%); highest among the groups gnomAD compares: African/African-American, 0.0027%; no homozygotes.

Submission:

Ambry Genetics
Classification: Uncertain significance for Inborn genetic diseases. Last evaluated: 2025-12-10. Review status: criteria provided, single submitter. Criteria: Ambry Variant Classification Scheme 2023. Collection method: clinical testing. Allele origin: germline.
Comment: The p.K916N variant (also known as c.2748G>C), located in coding exon 11 of the MECOM gene, results from a G to C substitution at nucleotide position 2748. The lysine at codon 916 is replaced by asparagine, an amino acid with similar properties. This amino acid position is conserved. In addition, this alteration is predicted to be tolerated by in silico analysis. Based on the available evidence, the clinical significance of this variant remains unclear.